The following is an entry in ClinVar:

NM_016284.5(CNOT1):c.6289A>G (p.Arg2097Gly)

Gene: CNOT1 (CCR4-NOT transcription complex subunit 1; minus strand). Cytogenetic location: 16q21.
Variant type: single nucleotide variant.
Coding change: c.6289A>G on transcript NM_016284.5 (MANE Select); coding-DNA position 6289, A replaced by G.
Protein change: p.Arg2097Gly; replaces arginine 2097 with glycine.
Molecular consequence: missense variant. On other transcripts: non-coding transcript variant (1).
Genome position (GRCh38, 1-based): chr16:58,528,639, T>C on the plus strand (A>G on the coding strand, the complement: CNOT1 is on the minus strand). VCF-style: chr16-58528639-T-C. GRCh37 (hg19) VCF-style: chr16-58562543-T-C.
Other names: c.6274A>G, p.Arg2092Gly (NM_001265612.2); short protein forms R2092G, R2097G.
Identifiers: ClinVar variation 1806731 (VCV001806731.1), dbSNP rs2543829783, ClinGen allele CA396161911.

ClinVar aggregate classification (germline): Uncertain significance (1 of 4 stars; one submission).

Submission:

GeneDx
Classification: Uncertain significance. Last evaluated: 2022-06-23. Review status: criteria provided, single submitter. Criteria: GeneDx Variant Classification Process June 2021. Collection method: clinical testing. Allele origin: germline. Affected: yes.
Comment: Not observed at significant frequency in large population cohorts (gnomAD); In silico analysis supports that this missense variant has a deleterious effect on protein structure/function; Has not been previously published as pathogenic or benign to our knowledge